The following is an entry in ClinVar:

ClinVar aggregate classification (germline): Uncertain significance (1 of 4 stars; one submission).

Submission:

Ambry Genetics
Classification: Uncertain significance. Last evaluated: 2022-05-14. Review status: criteria provided, single submitter. Criteria: Ambry Variant Classification Scheme 2023. Collection method: clinical testing. Allele origin: germline.
Comment: The p.F138C variant (also known as c.413T>G), located in coding exon 5 of the PRKDC gene, results from a T to G substitution at nucleotide position 413. The phenylalanine at codon 138 is replaced by cysteine, an amino acid with highly dissimilar properties. This amino acid position is conserved. In addition, this alteration is predicted to be tolerated by in silico analysis. Since supporting evidence is limited at this time, the clinical significance of this alteration remains unclear.

NM_006904.7(PRKDC):c.413T>G (p.Phe138Cys)

Gene: PRKDC (protein kinase, DNA-activated, catalytic subunit; minus strand). Cytogenetic location: 8q11.21.
Variant type: single nucleotide variant.
Coding change: c.413T>G on transcript NM_006904.7 (MANE Select); coding-DNA position 413, T replaced by G.
Protein change: p.Phe138Cys; replaces phenylalanine 138 with cysteine.
Molecular consequence: missense variant.
Genome position (GRCh38, 1-based): chr8:47,954,433, A>C on the plus strand (T>G on the coding strand, the complement: PRKDC is on the minus strand). VCF-style: chr8-47954433-A-C. GRCh37 (hg19) VCF-style: chr8-48866993-A-C.
Other names: c.413T>G, p.Phe138Cys (NM_001081640.2); short protein forms F138C.
Identifiers: ClinVar variation 1738152 (VCV001738152.2), dbSNP rs772597029, ClinGen allele CA371139246.